The following is an entry in ClinVar:

NM_017763.6(RNF43):c.2230C>A (p.Pro744Thr)

Gene: RNF43 (ring finger protein 43; minus strand). Cytogenetic location: 17q22.
Variant type: single nucleotide variant.
Coding change: c.2230C>A on transcript NM_017763.6 (MANE Select); coding-DNA position 2230, C replaced by A.
Protein change: p.Pro744Thr; replaces proline 744 with threonine.
Molecular consequence: missense variant.
Genome position (GRCh38, 1-based): chr17:58,357,546, G>T on the plus strand (C>A on the coding strand, the complement: RNF43 is on the minus strand). VCF-style: chr17-58357546-G-T. GRCh37 (hg19) VCF-style: chr17-56434907-G-T.
Other names: c.2230C>A, p.Pro744Thr (NM_001438820.1, NM_001438821.1, NM_001438822.1 and 1 more transcripts); c.1849C>A, p.Pro617Thr (NM_001305545.2, NM_001437987.1); short protein forms P617T, P744T.
Identifiers: ClinVar variation 4826159 (VCV004826159.1).

ClinVar aggregate classification (germline): Uncertain significance (1 of 4 stars; one submission).

Submission:

Ambry Genetics
Classification: Uncertain significance. Last evaluated: 2026-03-14. Review status: criteria provided, single submitter. Criteria: Ambry Variant Classification Scheme 2023. Collection method: clinical testing. Allele origin: germline.
Comment: The p.P744T variant (also known as c.2230C>A), located in coding exon 8 of the RNF43 gene, results from a C to A substitution at nucleotide position 2230. The proline at codon 744 is replaced by threonine, an amino acid with highly similar properties. This amino acid position is conserved. In addition, this alteration is predicted to be tolerated by in silico analysis. Based on the available evidence, the clinical significance of this variant remains unclear.